The following is an entry in ClinVar:

NM_001267550.2(TTN):c.101030T>C (p.Ile33677Thr)

Genes: TTN (titin; minus strand), TTN-AS1 (TTN antisense RNA 1; plus strand). Cytogenetic location: 2q31.2.
Variant type: single nucleotide variant.
Coding change: c.101030T>C on transcript NM_001267550.2 (MANE Select); coding-DNA position 101030, T replaced by C.
Protein change: p.Ile33677Thr; replaces isoleucine 33677 with threonine.
Molecular consequence: missense variant.
Genome position (GRCh38, 1-based): chr2:178,535,585, A>G on the plus strand (T>C on the coding strand, the complement: TTN is on the minus strand). VCF-style: chr2-178535585-A-G. GRCh37 (hg19) VCF-style: chr2-179400312-A-G.
Other names: c.96107T>C, p.Ile32036Thr (NM_001256850.1); c.73835T>C, p.Ile24612Thr (NM_003319.4); c.93326T>C, p.Ile31109Thr (NM_133378.4); c.74210T>C, p.Ile24737Thr (NM_133432.3); c.74411T>C, p.Ile24804Thr (NM_133437.4); short protein forms I24612T, I24737T, I24804T, I31109T, I32036T, I33677T.
Identifiers: ClinVar variation 3751225 (VCV003751225.2).

ClinVar aggregate classification (germline): Uncertain significance (1 of 4 stars; one submission).

Conditions:
Autosomal recessive limb-girdle muscular dystrophy type 2J (LGMDR10). Also called: Limb-girdle muscular dystrophy, type 2J; MUSCULAR DYSTROPHY, LIMB-GIRDLE, AUTOSOMAL RECESSIVE 10. Identifiers: Orphanet 140922, MedGen C1837342, MONDO:0012127, OMIM 608807.
Dilated cardiomyopathy 1G (CMD1G). Identifiers: Orphanet 154, MedGen C1858763, MONDO:0011400, OMIM 604145.

gnomAD v4.1: 2 of 1,613,868 alleles (0.00012%); highest among the groups gnomAD compares: Non-Finnish European, 0.00017%; no homozygotes.

Submission:

Labcorp Genetics (formerly Invitae), Labcorp
Classification: Uncertain significance for Dilated cardiomyopathy 1G; Autosomal recessive limb-girdle muscular dystrophy type 2J. Last evaluated: 2024-08-08. Review status: criteria provided, single submitter. Criteria: Invitae Variant Classification Sherloc (09022015). Collection method: clinical testing. Allele origin: germline.
Comment: This sequence change replaces isoleucine, which is neutral and non-polar, with threonine, which is neutral and polar, at codon 33677 of the TTN protein (p.Ile33677Thr). This variant is present in population databases (no rsID available, gnomAD 0.0009%). This variant has not been reported in the literature in individuals affected with TTN-related conditions. Experimental studies and prediction algorithms are not available or were not evaluated, and the functional significance of this variant is currently unknown. This variant is located in the M band of TTN (PMID: 25589632). Non-truncating variants in this region may be relevant for neuromuscular disorders, but have not been definitively shown to cause cardiomyopathy (PMID: 23975875). In summary, the available evidence is currently insufficient to determine the role of this variant in disease. Therefore, it has been classified as a Variant of Uncertain Significance.

Literature cited by the submitters: PubMed 25589632; PubMed 23975875.